The following is an entry in ClinVar:

NM_000535.7(PMS2):c.2023G>T (p.Glu675Ter)

Gene: PMS2 (PMS1 homolog 2, mismatch repair system component; minus strand). Cytogenetic location: 7p22.1.
Variant type: single nucleotide variant.
Coding change: c.2023G>T on transcript NM_000535.7 (MANE Select); coding-DNA position 2023, G replaced by T.
Protein change: p.Glu675Ter; replaces glutamic acid 675 with a stop codon.
Molecular consequence: nonsense. On other transcripts: non-coding transcript variant (1).
Genome position (GRCh38, 1-based): chr7:5,982,975, C>A on the plus strand (G>T on the coding strand, the complement: PMS2 is on the minus strand). VCF-style: chr7-5982975-C-A. GRCh37 (hg19) VCF-style: chr7-6022606-C-A.
Other names: c.1618G>T, p.Glu540Ter (NM_001322003.2, NM_001322004.2, NM_001322005.2 and 1 more transcripts); c.1867G>T, p.Glu623Ter (NM_001322006.2); c.1705G>T, p.Glu569Ter (NM_001322007.2, NM_001322008.2); c.1462G>T, p.Glu488Ter (NM_001322010.2); c.1090G>T, p.Glu364Ter (NM_001322011.2, NM_001322012.2); c.1450G>T, p.Glu484Ter (NM_001322013.2); c.2023G>T, p.Glu675Ter (NM_001322014.2); c.1714G>T, p.Glu572Ter (NM_001322015.2); short protein forms E484*, E488*, E540*, E364*, E623*, E569*, E572*, E675*.
Identifiers: ClinVar variation 643328 (VCV000643328.6), dbSNP rs1583299686, ClinGen allele CA366738164.
Genomic context (GRCh38, chr7:5,982,975, plus strand): 5'-TATCCTCATTCAGTTTGGTTATTATAAATCCCAGGTTAAACTGACCAATGATTTCCATTT[C>A]TGCAAACATCGTTTTACTGCAGGTAGAAAATGTTAATTATCAGACATTTTACAAGATTAT-3'

ClinVar aggregate classification (germline): Pathogenic (1 of 4 stars; one submission).

Conditions:
Hereditary nonpolyposis colorectal neoplasms. Identifiers: MedGen C0009405, MeSH D003123.

Submission:

Labcorp Genetics (formerly Invitae), Labcorp
Classification: Pathogenic for Hereditary nonpolyposis colorectal neoplasms. Last evaluated: 2018-11-15. Review status: criteria provided, single submitter. Criteria: Invitae Variant Classification Sherloc (09022015). Collection method: clinical testing. Allele origin: germline.
Comment: The frequency data for this variant in the population databases (ExAC) is considered unreliable due to the presence of homologous sequence, such as pseudogenes or paralogs, in the genome. For these reasons, this variant has been classified as Pathogenic. Loss-of-function variants in PMS2 are known to be pathogenic (PMID: 21376568, 24362816). This variant has not been reported in the literature in individuals with PMS2-related conditions. This sequence change creates a premature translational stop signal (p.Glu675*) in the PMS2 gene. It is expected to result in an absent or disrupted protein product.

Literature cited by the submitters: PubMed 21376568; PubMed 24362816.